The following is an entry in ClinVar:

ClinVar aggregate classification (germline): Pathogenic (1 of 4 stars; one submission).

Conditions:
Deafness-lymphedema-leukemia syndrome. Also called: Emberger syndrome; Lymphedema, primary, with myelodysplasia. Identifiers: Orphanet 3226, MedGen C3279664, MONDO:0013540, OMIM 614038.
GATA2 deficiency with susceptibility to MDS/AML. Identifiers: MedGen CN300066, MONDO:0042982.

Submission:

Molecular Pathology Research Laboratory, SA Pathology
Classification: Pathogenic for GATA2 deficiency with susceptibility to MDS/AML; Deafness-lymphedema-leukemia syndrome. Last evaluated: 2021-07-06. Review status: criteria provided, single submitter. Criteria: ACMG Guidelines, 2015. Collection method: curation. Allele origin: de novo. Inheritance: Autosomal dominant inheritance. Affected: yes. Observed: 1 variant allele.
Comment: PVS1, PS2, PS4_Supporting, PM2

Literature cited by the submitters: PubMed 26702063.

NM_032638.5(GATA2):c.1035_1038dup (p.Thr347fs)

Gene: GATA2 (GATA binding protein 2; minus strand). Cytogenetic location: 3q21.3.
Variant type: Duplication.
Coding change: c.1035_1038dup on transcript NM_032638.5 (MANE Select); coding-DNA positions 1035 to 1038, 4 bases duplicated (CGGC; older notation c.1035_1038dupCGGC).
Protein change: p.Thr347fs; shifts the reading frame from threonine 347.
Molecular consequence: frameshift variant. On other transcripts: intron variant (1).
Genome position (GRCh38, 1-based): chr3:128,481,924-128,481,927, GCCG duplicated on the plus strand (CGGC on the coding strand, the reverse complement: GATA2 is on the minus strand); duplicating any 4 consecutive bases within chr3:128,481,924-128,481,929 gives the same sequence; the c. name uses the placement nearest the transcript's 3' end. VCF-style (leftmost placement, unchanged base first): chr3-128481923-T-TGCCG. GRCh37 (hg19) VCF-style: chr3-128200766-T-TGCCG.
Other names: c.1035_1038dup, p.Thr347fs (NM_001145661.2); c.1018-25_1018-22dup (NM_001145662.1); short protein forms T347fs.
Identifiers: ClinVar variation 1184222 (VCV001184222.1), dbSNP rs2107668769, ClinGen allele CA2499216438.